The following is an entry in ClinVar:

NM_001330691.3(CEP78):c.1166T>G (p.Phe389Cys)

Gene: CEP78 (centrosomal protein 78; plus strand). Cytogenetic location: 9q21.2.
Variant type: single nucleotide variant.
Coding change: c.1166T>G on transcript NM_001330691.3 (MANE Select); coding-DNA position 1166, T replaced by G.
Protein change: p.Phe389Cys; replaces phenylalanine 389 with cysteine.
Molecular consequence: missense variant.
Genome position (GRCh38, 1-based): chr9:78,252,004, T>G. VCF-style: chr9-78252004-T-G. GRCh37 (hg19) VCF-style: chr9-80866920-T-G.
Other names: c.1169T>G, p.Phe390Cys (NM_001098802.3, NM_001349839.2, NM_001349840.2 and 1 more transcripts); c.1166T>G, p.Phe389Cys (NM_001330693.3, NM_001330694.2, NM_001349838.2); short protein forms F389C, F390C.
Identifiers: ClinVar variation 1953160 (VCV001953160.5), dbSNP rs754241822, ClinGen allele CA5095160.

ClinVar aggregate classification (germline): Uncertain significance (1 of 4 stars; one submission).

Allele frequency attached by ClinVar (database versions not stated): gnomAD exomes below 0.00001; ExAC 0.00003.
gnomAD v4.1: 2 of 1,604,366 alleles (0.00012%); highest among the groups gnomAD compares: South Asian, 0.0022%; no homozygotes.

Submission:

Labcorp Genetics (formerly Invitae), Labcorp
Classification: Uncertain significance. Last evaluated: 2022-02-23. Review status: criteria provided, single submitter. Criteria: Invitae Variant Classification Sherloc (09022015). Collection method: clinical testing. Allele origin: germline.
Comment: This sequence change replaces phenylalanine, which is neutral and non-polar, with cysteine, which is neutral and slightly polar, at codon 390 of the CEP78 protein (p.Phe390Cys). This variant is present in population databases (rs754241822, gnomAD 0.01%). This variant has not been reported in the literature in individuals affected with CEP78-related conditions. Algorithms developed to predict the effect of missense changes on protein structure and function are either unavailable or do not agree on the potential impact of this missense change (SIFT: "Deleterious"; PolyPhen-2: "Probably Damaging"; Align-GVGD: "Class C0"). In summary, the available evidence is currently insufficient to determine the role of this variant in disease. Therefore, it has been classified as a Variant of Uncertain Significance.